The following is an entry in ClinVar:

NM_000127.3(EXT1):c.995C>G (p.Thr332Ser)

Gene: EXT1 (exostosin glycosyltransferase 1; minus strand). Cytogenetic location: 8q24.11.
Variant type: single nucleotide variant.
Coding change: c.995C>G on transcript NM_000127.3 (MANE Select); coding-DNA position 995, C replaced by G.
Protein change: p.Thr332Ser; replaces threonine 332 with serine.
Molecular consequence: missense variant.
Genome position (GRCh38, 1-based): chr8:117,837,169, G>C on the plus strand (C>G on the coding strand, the complement: EXT1 is on the minus strand). VCF-style: chr8-117837169-G-C. GRCh37 (hg19) VCF-style: chr8-118849408-G-C.
Other names: short protein forms T332S.
Identifiers: ClinVar variation 3029978 (VCV003029978.2), dbSNP rs1386640697, ClinGen allele CA371893331.
Genomic context (GRCh38, chr8:117,837,169, plus strand): 5'-TGCAAAGCCTCCAGGAATCTGAAGGACCCAAGCCTGCGACCACGAGGAACCAGACAGAAA[G>C]TGGCATTGTGCAGCATTTCCCGATAATCATACCTAGAAAGAGAAGAGGAGTAAACAGCAA-3'
Protein context (NP_000118.2, residues 322-342): YDYREMLHNA[Thr332Ser]FCLVPRGRRL

ClinVar aggregate classification (germline): Uncertain significance (0 of 4 stars; one submission).

Conditions:
EXT1-related disorder. Also called: EXT1-related condition.

Allele frequency attached by ClinVar (database versions not stated): gnomAD exomes below 0.00001; TOPMed below 0.00001; gnomAD 0.00001.
gnomAD v4.1: 2 of 1,613,914 alleles (0.00012%); highest among the groups gnomAD compares: African/African-American, 0.0027%; no homozygotes.

Submission:

PreventionGenetics, part of Exact Sciences
Classification: Uncertain significance for EXT1-related condition. Last evaluated: 2023-11-07. Review status: no assertion criteria provided. Collection method: clinical testing. Allele origin: germline.
Comment: The EXT1 c.995C>G variant is predicted to result in the amino acid substitution p.Thr332Ser. To our knowledge, this variant has not been reported in the literature or in a large population database, indicating this variant is rare. At this time, the clinical significance of this variant is uncertain due to the absence of conclusive functional and genetic evidence.